The following is an entry in ClinVar:

NM_017780.4(CHD7):c.4406A>G (p.Tyr1469Cys)

Gene: CHD7 (chromodomain helicase DNA binding protein 7; plus strand). Cytogenetic location: 8q12.2.
Variant type: single nucleotide variant.
Coding change: c.4406A>G on transcript NM_017780.4 (MANE Select); coding-DNA position 4406, A replaced by G.
Protein change: p.Tyr1469Cys; replaces tyrosine 1469 with cysteine.
Molecular consequence: missense variant. On other transcripts: intron variant (1).
Genome position (GRCh38, 1-based): chr8:60,838,128, A>G. VCF-style: chr8-60838128-A-G. GRCh37 (hg19) VCF-style: chr8-61750687-A-G.
Other names: c.1717-24101A>G (NM_001316690.1); c.4406A>G (NM_017780.3); short protein forms Y1469C.
Identifiers: ClinVar variation 1297711 (VCV001297711.6), dbSNP rs2150779357, ClinGen allele CA371318154.

ClinVar aggregate classification (germline): Uncertain significance. Review status: criteria provided, multiple submitters, no conflicts (2 of 4 stars). 4 submissions from 4 submitters: Uncertain significance (2). 2 of the submissions do not count toward it. Last evaluated 2025-11-18.

Conditions:
CHD7-related disorder. Also called: CHD7-related condition.

gnomAD v4.1: 1 of 1,558,314 alleles (0.000064%); highest among the groups gnomAD compares: Non-Finnish European, 0.000087%; no homozygotes.

Submissions (4):

GeneDx
Classification: Uncertain significance. Last evaluated: 2025-11-18. Review status: criteria provided, single submitter. Criteria: GeneDx Variant Classification Process June 2021. Collection method: clinical testing. Allele origin: germline.
Comment: Apparently de novo variant in a patient with abnormal external ears and a congenital heart defect in the published literature; however, this patient did not have other features associated with CHARGE syndrome, and CHD7 sequencing was the only evaluation performed (PMID: 22539353, 21378379); Not observed at significant frequency in large population cohorts (gnomAD); In silico analysis supports that this missense variant has a deleterious effect on protein structure/function; This variant is associated with the following publications: (PMID: 20884005, 21378379, 22539353)

PreventionGenetics, part of Exact Sciences
Classification: Uncertain significance for CHD7-related condition. Last evaluated: 2022-08-26. Review status: criteria provided, single submitter. Criteria: ACMG Guidelines, 2015. Collection method: clinical testing. Allele origin: germline.
Comment: The CHD7 c.4406A>G variant is predicted to result in the amino acid substitution p.Tyr1469Cys. This variant has been reported as arising de novo in an individual with CHARGE syndrome (Bergman et al. 2011. PubMed ID: 20884005). This variant has not been reported in a large population database, indicating this variant is rare. Although we suspect that this variant may be pathogenic, at this time, the clinical significance of this variant is uncertain due to the absence of conclusive functional and genetic evidence.

Clinical Genetics DNA and cytogenetics Diagnostics Lab, Erasmus MC, Erasmus Medical Center
Classification: Likely pathogenic. Review status: no assertion criteria provided. Collection method: clinical testing. Allele origin: germline. Affected: yes. Study: VKGL Data-share Consensus. Not counted in ClinVar's aggregate classification.

Joint Genome Diagnostic Labs from Nijmegen and Maastricht, Radboudumc and MUMC+
Classification: Likely pathogenic. Review status: no assertion criteria provided. Collection method: clinical testing. Allele origin: germline. Affected: yes. Study: VKGL Data-share Consensus. Not counted in ClinVar's aggregate classification.